The following is an entry in ClinVar:

ClinVar aggregate classification (germline): Uncertain significance (1 of 4 stars; one submission).

Conditions:
Kleefstra syndrome 1 (KLEFS1). Identifiers: Orphanet 261494, MedGen C0795833, MONDO:0027407, OMIM 610253.

gnomAD v4.1: 1 of 1,610,876 alleles (0.000062%); highest among the groups gnomAD compares: Non-Finnish European, 0.000085%; no homozygotes.

Submission:

Labcorp Genetics (formerly Invitae), Labcorp
Classification: Uncertain significance for Kleefstra syndrome 1. Last evaluated: 2025-10-21. Review status: criteria provided, single submitter. Criteria: Invitae Variant Classification Sherloc (09022015). Collection method: clinical testing. Allele origin: germline.
Comment: This sequence change replaces glutamic acid, which is acidic and polar, with valine, which is neutral and non-polar, at codon 181 of the EHMT1 protein (p.Glu181Val). This variant is not present in population databases (gnomAD no frequency). This variant has not been reported in the literature in individuals affected with EHMT1-related conditions. An algorithm developed to predict the effect of missense changes on protein structure and function (PolyPhen-2) suggests that this variant is likely to be tolerated. In summary, the available evidence is currently insufficient to determine the role of this variant in disease. Therefore, it has been classified as a Variant of Uncertain Significance.

NM_024757.5(EHMT1):c.542A>T (p.Glu181Val)

Gene: EHMT1 (euchromatic histone lysine methyltransferase 1; plus strand). Cytogenetic location: 9q34.3.
Variant type: single nucleotide variant.
Coding change: c.542A>T on transcript NM_024757.5 (MANE Select); coding-DNA position 542, A replaced by T.
Protein change: p.Glu181Val; replaces glutamic acid 181 with valine.
Molecular consequence: missense variant.
Genome position (GRCh38, 1-based): chr9:137,717,082, A>T. VCF-style: chr9-137717082-A-T. GRCh37 (hg19) VCF-style: chr9-140611534-A-T.
Other names: c.542A>T, p.Glu181Val (NM_001145527.2, NM_001354263.2, NM_001354611.2); c.449A>T, p.Glu150Val (NM_001354259.2, NM_001354612.2); short protein forms E150V, E181V.
Identifiers: ClinVar variation 4739620 (VCV004739620.1).